The following is an entry in ClinVar:

NM_003823.4(TNFRSF6B):c.538G>A (p.Ala180Thr)

Genes: RTEL1-TNFRSF6B (RTEL1-TNFRSF6B readthrough (NMD candidate); plus strand), TNFRSF6B (TNF receptor superfamily member 6b; plus strand). Cytogenetic location: 20q13.33.
Variant type: single nucleotide variant.
Coding change: c.538G>A on transcript NM_003823.4 (MANE Select); coding-DNA position 538, G replaced by A.
Protein change: p.Ala180Thr; replaces alanine 180 with threonine.
Molecular consequence: missense variant. On other transcripts: non-coding transcript variant (1).
Genome position (GRCh38, 1-based): chr20:63,697,441, G>A. VCF-style: chr20-63697441-G-A. GRCh37 (hg19) VCF-style: chr20-62328794-G-A.
Other names: short protein forms A180T.
Identifiers: ClinVar variation 1412297 (VCV001412297.8), dbSNP rs2145489210, ClinGen allele CA409711660.
Genomic context (GRCh38, chr20:63,697,441, plus strand): 5'-GCCAGCAGCTCCAGCTCAGAGCAGTGCCAGCCCCACCGCAACTGCACGGCCCTGGGCCTG[G>A]CCCTCAATGTGCCAGGCTCTTCCTCCCATGACACCCTGTGCACCAGCTGCACTGGCTTCC-3'
Protein context (NP_003814.1, residues 170-190): PHRNCTALGL[Ala180Thr]LNVPGSSSHD

ClinVar aggregate classification (germline): Uncertain significance (1 of 4 stars; one submission).

Allele frequency attached by ClinVar (database versions not stated): gnomAD exomes below 0.00001.
gnomAD v4.1: 1 of 1,603,104 alleles (0.000062%); highest among the groups gnomAD compares: Middle Eastern, 0.017%; no homozygotes.

Submission:

Labcorp Genetics (formerly Invitae), Labcorp
Classification: Uncertain significance. Last evaluated: 2025-08-06. Review status: criteria provided, single submitter. Criteria: Invitae Variant Classification Sherloc (09022015). Collection method: clinical testing. Allele origin: germline.
Comment: This sequence change replaces alanine, which is neutral and non-polar, with threonine, which is neutral and polar, at codon 180 of the TNFRSF6B protein (p.Ala180Thr). This variant is not present in population databases (gnomAD no frequency). This variant has not been reported in the literature in individuals affected with TNFRSF6B-related conditions. ClinVar contains an entry for this variant (Variation ID: 1412297). An algorithm developed to predict the effect of missense changes on protein structure and function outputs the following: PolyPhen-2: "Benign". The threonine amino acid residue is found in multiple mammalian species, which suggests that this missense change does not adversely affect protein function. In summary, the available evidence is currently insufficient to determine the role of this variant in disease. Therefore, it has been classified as a Variant of Uncertain Significance.